The following is an entry in ClinVar:

NM_000551.4(VHL):c.571C>T (p.His191Tyr)

Genes: VHL (von Hippel-Lindau tumor suppressor; plus strand), LOC107303340 (3p25 von Hippel-Lindau tumor suppressor, E3 ubiquitin protein ligase Alu-mediated recombination region; plus strand). Cytogenetic location: 3p25.3.
Variant type: single nucleotide variant.
Coding change: c.571C>T on transcript NM_000551.4 (MANE Select); coding-DNA position 571, C replaced by T.
Protein change: p.His191Tyr; replaces histidine 191 with tyrosine.
Molecular consequence: missense variant. On other transcripts: 3 prime UTR variant (1), non-coding transcript variant (1).
Genome position (GRCh38, 1-based): chr3:10,149,894, C>T. VCF-style: chr3-10149894-C-T. GRCh37 (hg19) VCF-style: chr3-10191578-C-T.
Other names: c.*125C>T (NM_001354723.2); c.448C>T, p.His150Tyr (NM_198156.3); short protein forms H150Y, H191Y.
Identifiers: ClinVar variation 2937784 (VCV002937784.3), dbSNP rs28940301, ClinGen allele CA351756416.

ClinVar aggregate classification (germline): Uncertain significance (1 of 4 stars; one submission).

Conditions:
Chuvash polycythemia. Also called: POLYCYTHEMIA, VHL-DEPENDENT. Identifiers: Orphanet 238557, MedGen C1837915, MONDO:0009892, OMIM 263400.
Von Hippel-Lindau syndrome (VHLS). Also called: von Hippel–Lindau syndrome; VHL syndrome; Von Hippel-Lindau. Identifiers: Orphanet 892, MedGen C0019562, MONDO:0008667, OMIM 193300. Disease mechanism: loss of function.

gnomAD v4.1: 1 of 1,614,166 alleles (0.000062%); highest among the groups gnomAD compares: South Asian, 0.0011%; no homozygotes.

Submission:

Labcorp Genetics (formerly Invitae), Labcorp
Classification: Uncertain significance for Von Hippel-Lindau syndrome; Chuvash polycythemia. Last evaluated: 2023-08-14. Review status: criteria provided, single submitter. Criteria: Invitae Variant Classification Sherloc (09022015). Collection method: clinical testing. Allele origin: germline.
Comment: This sequence change replaces histidine, which is basic and polar, with tyrosine, which is neutral and polar, at codon 191 of the VHL protein (p.His191Tyr). This variant is not present in population databases (gnomAD no frequency). This variant has not been reported in the literature in individuals affected with VHL-related conditions. Advanced modeling of protein sequence and biophysical properties (such as structural, functional, and spatial information, amino acid conservation, physicochemical variation, residue mobility, and thermodynamic stability) has been performed at Invitae for this missense variant, however the output from this modeling did not meet the statistical confidence thresholds required to predict the impact of this variant on VHL protein function. This variant disrupts the p.His191 amino acid residue in VHL. Other variant(s) that disrupt this residue have been determined to be pathogenic (PMID: 2844285, 21685897, 23403324, 27651169). This suggests that this residue is clinically significant, and that variants that disrupt this residue are likely to be disease-causing. In summary, the available evidence is currently insufficient to determine the role of this variant in disease. Therefore, it has been classified as a Variant of Uncertain Significance.

Literature cited by the submitters: PubMed 2844285; PubMed 21685897; PubMed 23403324; PubMed 27651169.